The following is an entry in ClinVar:

NM_006231.4(POLE):c.2683G>A (p.Ala895Thr)

Gene: POLE (DNA polymerase epsilon, catalytic subunit; minus strand). Cytogenetic location: 12q24.33.
Variant type: single nucleotide variant.
Coding change: c.2683G>A on transcript NM_006231.4 (MANE Select); coding-DNA position 2683, G replaced by A.
Protein change: p.Ala895Thr; replaces alanine 895 with threonine.
Molecular consequence: missense variant.
Genome position (GRCh38, 1-based): chr12:132,664,027, C>T on the plus strand (G>A on the coding strand, the complement: POLE is on the minus strand). VCF-style: chr12-132664027-C-T. GRCh37 (hg19) VCF-style: chr12-133240613-C-T.
Other names: short protein forms A895T.
Identifiers: ClinVar variation 265355 (VCV000265355.90), dbSNP rs201115064, ClinGen allele CA6893478.

ClinVar aggregate classification (germline): Conflicting classifications of pathogenicity. Review status: criteria provided, conflicting classifications (1 of 4 stars). 21 submissions from 21 submitters: Uncertain significance (12); Likely benign (5). 4 of the submissions do not count toward it. Last evaluated 2026-01-28.

Conditions:
POLE-related disorder. Also called: POLE-related condition; POLE-related disorders.
Hereditary cancer. Identifiers: MedGen C1333600.
Polymerase proofreading-related adenomatous polyposis. Also called: Polymerase proofreading associated polyposis; Polymerase proofreading–associated polyposis (PPAP). Identifiers: Orphanet 447877, MedGen C5202613, MONDO:0018653.
Facial dysmorphism-immunodeficiency-livedo-short stature syndrome. Also called: Facial dysmorphism, immunodeficiency, livedo, and short stature; FILS syndrome. Identifiers: Orphanet 352712, MedGen C3554576, MONDO:0014058, OMIM 615139.
Colorectal cancer, susceptibility to, 12 (CRCS12). Also called: COLORECTAL CANCER, SUSCEPTIBILITY TO, ON CHROMOSOME 12q24. Identifiers: Orphanet 220460, MedGen C3554460, MONDO:0014038, OMIM 615083.
Hereditary cancer-predisposing syndrome. Also called: Tumor predisposition; Hereditary Cancer Syndrome; Neoplastic Syndromes, Hereditary; Hereditary neoplastic syndrome. Identifiers: Orphanet 140162, MedGen C0027672, MeSH D009386, MONDO:0015356.

Allele frequency attached by ClinVar (database versions not stated): TOPMed 0.00021; gnomAD 0.00023 and 0.00024; ESP Exome Variant Server 0.00031; ExAC 0.00042.
gnomAD v4.1: 299 of 1,614,004 alleles (0.019%); highest among the groups gnomAD compares: Non-Finnish European, 0.021%; 3 homozygotes.

Submissions (21):

Labcorp Genetics (formerly Invitae), Labcorp
Classification: Likely benign. Last evaluated: 2026-01-28. Review status: criteria provided, single submitter. Criteria: Invitae Variant Classification Sherloc (09022015). Collection method: clinical testing. Allele origin: germline.

Center for Genomic Medicine, Rigshospitalet, Copenhagen University Hospital
Classification: Uncertain significance. Last evaluated: 2025-12-29. Review status: criteria provided, single submitter. Criteria: ACMG Guidelines, 2015. Collection method: clinical testing. Allele origin: germline.

CeGaT Center for Human Genetics Tuebingen
Classification: Uncertain significance. Last evaluated: 2025-07-01. Review status: criteria provided, single submitter. Criteria: CeGaT Center For Human Genetics Tuebingen Variant Classification Criteria Version 2. Collection method: clinical testing. Allele origin: germline. Affected: yes. Observed: 4 variant alleles.

GeneDx
Classification: Uncertain significance. Last evaluated: 2025-03-07. Review status: criteria provided, single submitter. Criteria: GeneDx Variant Classification Process June 2021. Collection method: clinical testing. Allele origin: germline. Affected: yes.
Comment: In silico analysis supports that this missense variant has a deleterious effect on protein structure/function; This variant is associated with the following publications: (PMID: 25529843, 24410847, 28615371, 29987844, 30194485, 35264596, 20951805, 25860647, 25079317, 25642631, 25559809, 23636398, 21157497, 26822575, 29120461)

Laboratory of Genetics, Children's Clinical University Hospital Latvia
Classification: Likely benign. Last evaluated: 2025-02-16. Review status: criteria provided, single submitter. Criteria: ACMG Guidelines, 2015. Collection method: clinical testing. Allele origin: germline. Affected: yes.

Blueprint Genetics
Classification: Likely benign. Last evaluated: 2024-11-19. Review status: criteria provided, single submitter. Criteria: ACMG Guidelines, 2015. Collection method: clinical testing. Allele origin: germline.

St. Jude Molecular Pathology, St. Jude Children's Research Hospital
Classification: Uncertain significance for Colorectal cancer, susceptibility to, 12. Last evaluated: 2024-07-16. Review status: criteria provided, single submitter. Criteria: St. Jude Assertion Criteria 2020. Collection method: clinical testing. Allele origin: germline.
Comment: The POLE c.2683G>A (p.Ala895Thr) missense change has a maximum subpopulation frequency of 0.05% in gnomAD v2.1.1. The in silico tool REVEL predicts a benign effect on protein function, but this prediction has not been confirmed by functional studies. This variant has been reported in at least one individual with polyposis (PMID: 25529843). In summary, the evidence currently available is insufficient to determine the clinical significance of this variant. It has therefore been classified as of uncertain significance.

Ambry Genetics
Classification: Likely benign for Hereditary cancer-predisposing syndrome. Last evaluated: 2024-02-27. Review status: criteria provided, single submitter. Criteria: Ambry Variant Classification Scheme 2023. Collection method: clinical testing. Allele origin: germline.

Mendelics
Classification: Likely benign for Hereditary cancer. Last evaluated: 2024-01-23. Review status: criteria provided, single submitter. Criteria: ACMG Guidelines, 2015. Collection method: clinical testing. Allele origin: unknown.

MGZ Medical Genetics Center
Classification: Uncertain significance for Colorectal cancer, susceptibility to, 12. Last evaluated: 2022-06-09. Review status: criteria provided, single submitter. Criteria: ACMG Guidelines, 2015. Collection method: clinical testing. Allele origin: germline. Affected: yes. Observed: 1 variant allele.
Comment: ACMG criteria applied: PS4_SUP, BP4

Clinical Genetics Laboratory, Skane University Hospital Lund
Classification: Uncertain significance. Last evaluated: 2022-05-27. Review status: criteria provided, single submitter. Criteria: ACMG Guidelines, 2015. Collection method: clinical testing. Allele origin: germline. Affected: yes.

Institute for Clinical Genetics, University Hospital TU Dresden, University Hospital TU Dresden
Classification: Uncertain significance. Last evaluated: 2021-11-03. Review status: criteria provided, single submitter. Criteria: ACMG Guidelines, 2015. Collection method: clinical testing. Allele origin: germline.

Sema4
Classification: Uncertain significance for Hereditary cancer-predisposing syndrome. Last evaluated: 2021-05-18. Review status: criteria provided, single submitter. Criteria: Sema4 Curation Guidelines. Collection method: curation. Allele origin: germline.
Comment: The POLE c.2683G>A (p.A895T) variant has been reported in heterozygosity in at least two individuals with attenuated adenomatous polyposis and in at least one individual with Lynch Syndrome (PMID: 25529843, 29987844). It was observed in 13/25118 chromosomes, including 0 homozygotes, in the Finnish subpopulation in the large and broad cohorts of the Genome Aggregation Database (PMID: 32461654). The variant has been reported in ClinVar (Variation ID: 265355). In silico tools suggest the impact of the variant on protein function is inconclusive, though these predictions have not been confirmed by functional studies. The evidence is insufficient to meet ACMG/AMP criteria for classifying the variant as benign or pathogenic. Thus, the clinical significance of this variant is currently uncertain.

Quest Diagnostics Nichols Institute San Juan Capistrano
Classification: Uncertain significance. Last evaluated: 2019-01-22. Review status: criteria provided, single submitter. Criteria: Quest Diagnostics criteria. Collection method: clinical testing. Allele origin: germline.

Fulgent Genetics
Classification: Uncertain significance for Colorectal cancer, susceptibility to, 12; Facial dysmorphism-immunodeficiency-livedo-short stature syndrome. Last evaluated: 2018-10-31. Review status: criteria provided, single submitter. Criteria: ACMG Guidelines, 2015. Collection method: clinical testing. Allele origin: unknown.

Genetic Services Laboratory, University of Chicago
Classification: Uncertain significance. Last evaluated: 2017-04-03. Review status: criteria provided, single submitter. Criteria: ACMG Guidelines, 2015. Collection method: clinical testing. Allele origin: germline. Affected: no.

Laboratory for Molecular Medicine, Mass General Brigham Personalized Medicine
Classification: Uncertain significance. Last evaluated: 2016-11-15. Review status: criteria provided, single submitter. Criteria: LMM Criteria. Collection method: clinical testing. Allele origin: germline. Observed: 1 variant allele.
Comment: The p.Ala895Thr variant in POLE has been reported in 2 individuals with colorect al adenomatous polyposis with an attenuated phenotype (Spier 2015). This variant has also been identified in 47/66724 of European chromosomes by the Exome Aggre gation Consortium (ExAC; dbSNP rs201115064). Com putational prediction tools and conservation analysis suggest that the p.Ala895T hr variant may impact the protein, though this information is not predictive eno ugh to determine pathogenicity. In summary, the clinical significance of the p.A la895Thr variant is uncertain.

PreventionGenetics, part of Exact Sciences
Classification: Uncertain significance for POLE-related condition. Last evaluated: 2024-01-03. Review status: no assertion criteria provided. Collection method: clinical testing. Allele origin: germline. Not counted in ClinVar's aggregate classification.
Comment: The POLE c.2683G>A variant is predicted to result in the amino acid substitution p.Ala895Thr. This variant has been reported in two unrelated patients with a history of sporadic polyposis, but segregation information was not provided (Spier et al. 2015. PubMed ID: 25529843). This variant was also reported in an individual with a history of colorectal cancer who was also positive for a variant in POLD1 (Patient 25, Kayser et al. 2018. PubMed ID: 29987844). This variant was reported in an individual with colorectal adenoma/carcinoma (Spier et al. 2015. PubMed ID: 25529843; Kayser et al. 2018. PubMed ID: 29987844; Guindalini et al. 2022. PubMed ID: 35264596). This variant is reported in 0.052% of alleles in individuals of European (Finnish) descent in gnomAD. This variant has interpretations in ClinVar as a variant of uncertain significance and likely benign. At this time, the clinical significance of this variant is uncertain due to the absence of conclusive functional and genetic evidence.

True Health Diagnostics
Classification: Uncertain significance for Hereditary cancer-predisposing syndrome. Last evaluated: 2018-01-12. Review status: no assertion criteria provided. Collection method: clinical testing. Allele origin: germline. Not counted in ClinVar's aggregate classification.

Counsyl
Classification: Uncertain significance for Colorectal cancer, susceptibility to, 12. Last evaluated: 2017-03-30. Review status: no assertion criteria provided. Collection method: clinical testing. Allele origin: unknown. Not counted in ClinVar's aggregate classification.

Department of Pathology and Laboratory Medicine, Sinai Health System
Classification: Uncertain significance for Polymerase proofreading-related adenomatous polyposis. Review status: no assertion criteria provided. Collection method: clinical testing. Allele origin: unknown. Affected: yes. Study: The Canadian Open Genetics Repository (COGR). Not counted in ClinVar's aggregate classification.
Comment: The POLE p.Ala895Thr variant was identified in 2 of 532 proband chromosomes (frequency: 0.004) from individuals or families with colorectal cancer (Spier 2015). The variant was also identified in dbSNP (ID: rs201115064) as "With Uncertain significance allele", and in ClinVar (classified as uncertain significance by Invitae, GeneDx, Ambry Genetics and six other submitters). The variant was identified in control databases in 84 of 277182 chromosomes at a frequency of 0.0003 increasing the likelihood this could be a low frequency benign variant (Genome Aggregation Database Feb 27, 2017). The variant was observed in the following populations: Other in 1 of 6466 chromosomes (freq: 0.0002), Latino in 2 of 34418 chromosomes (freq: 0.00006), European in 66 of 126678 chromosomes (freq: 0.0005), Finnish in 15 of 25788 chromosomes (freq: 0.0006), while the variant was not observed in the African, Ashkenazi Jewish, East Asian, and South Asian populations. The p.Ala895 residue is conserved in mammals and computational analyses (PolyPhen-2, SIFT, AlignGVGD, BLOSUM, MutationTaster) provide inconsistent predictions regarding the impact to the protein; this information is not very predictive of pathogenicity. The variant occurs outside of the splicing consensus sequence and in silico or computational prediction software programs (SpliceSiteFinder, MaxEntScan, NNSPLICE, GeneSplicer) do not predict a difference in splicing. In summary, based on the above information the clinical significance of this variant cannot be determined with certainty at this time. This variant is classified as a variant of uncertain significance.

Literature cited by the submitters: PubMed 25529843 (cited by 5 submitters); PubMed 21157497 (cited by Ambry Genetics); PubMed 23636398 (cited by Ambry Genetics); PubMed 25079317 (cited by Ambry Genetics); PubMed 25559809 (cited by Ambry Genetics); PubMed 25642631 (cited by Ambry Genetics); PubMed 25860647 (cited by Ambry Genetics); PubMed 26822575 (cited by Ambry Genetics); PubMed 29987844 (cited by Sema4 and Quest Diagnostics Nichols Institute San Juan Capistrano); PubMed 30194485 (cited by Quest Diagnostics Nichols Institute San Juan Capistrano); PubMed 29120461 (cited by Quest Diagnostics Nichols Institute San Juan Capistrano).